The following is an entry in ClinVar:

NM_001904.4(CTNNB1):c.133_134delinsAT (p.Ser45Ile)

Genes: CTNNB1 (catenin beta 1; plus strand), LOC126806658 (BRD4-independent group 4 enhancer GRCh37_chr3:41265899-41267098; plus strand). Cytogenetic location: 3p22.1.
Variant type: Indel.
Coding change: c.133_134delinsAT on transcript NM_001904.4 (MANE Select); coding-DNA positions 133 to 134, TC replaced by AT.
Protein change: p.Ser45Ile; replaces serine 45 with isoleucine.
Molecular consequence: missense variant.
Genome position (GRCh38, 1-based): chr3:41,224,645-41,224,646, TC replaced by AT. VCF-style: chr3-41224645-TC-AT. GRCh37 (hg19) VCF-style: chr3-41266136-TC-AT.
Other names: c.133_134delinsAT, p.Ser45Ile (NM_001098209.2, NM_001098210.2, NM_001438871.1 and 4 more transcripts); c.112_113delinsAT, p.Ser38Ile (NM_001330729.2); short protein forms S38I, S45I.
Identifiers: ClinVar variation 4530135 (VCV004530135.1).

ClinVar aggregate classification (somatic clinical impact): Tier I - Strong (1 of 4 stars; one submission).

Conditions:
Desmoid tumor. Also called: Desmoid tumour; Aggressive fibromatosis. Identifiers: Orphanet 873, MedGen C0079218, MONDO:0007608, HP:6001034.

Submission:

Institute for Genomic Medicine (IGM) Clinical Laboratory, Nationwide Children's Hospital
Classification: Tier I - Strong for Desmoid tumor. Assertion type: diagnostic. Clinical significance: supports diagnosis. Last evaluated: 2023-08-28. Review status: criteria provided, single submitter. Criteria: AMP/ASCO/CAP Guidelines, 2017. Collection method: clinical testing. Allele origin: somatic. Affected: yes.
Comment: Variant has Tier I (strong) clinical significance as a diagnostic inclusion criterion in desmoid tumor, based on the following evidence: 1) Documented in one or more cancer databases (e.g., St. Jude Pecan, COSMIC, CIViC, OncoKB). 2) Appears in one or more well-established professional guidelines (e.g., World Health Organization [WHO]; National Comprehensive Cancer Network [NCCN]) as providing diagnostic, prognostic, or therapeutic information. 3) Diagnostic for a specific tumor type/classification according to professional guidelines (Evidence Level A; PMIDs: 10597266, 17558858, 20197769, 21323417, 27062580, 32099073, 26171757).

Literature cited by the submitters: PubMed 10597266; PubMed 17558858; PubMed 20197769; PubMed 21323417; PubMed 27062580; PubMed 32099073; PubMed 26171757.